The following is an entry in ClinVar:

NM_006567.5(FARS2):c.1217+11del

Gene: FARS2 (phenylalanyl-tRNA synthetase 2, mitochondrial; plus strand). Cytogenetic location: 6p25.1.
Variant type: Deletion.
Coding change: c.1217+11del on transcript NM_006567.5 (MANE Select); 11 bases into the intron after coding-DNA position 1217, one base deleted (A; older notation c.1217+11delA).
Molecular consequence: intron variant.
Genome position (GRCh38, 1-based): chr6:5,613,331, A deleted; the last of 4 consecutive A bases (chr6:5,613,328-5,613,331); deleting any one gives the same sequence. VCF-style (leftmost placement, unchanged base first): chr6-5613327-GA-G. GRCh37 (hg19) VCF-style: chr6-5613560-GA-G.
Other names: c.1217+11del (NM_001374878.1, NM_001318872.2, NM_001374877.1 and 4 more transcripts); c.1085+11del (NM_001375258.1); c.521+11del (NM_001375260.1, NM_001375259.1); c.1217+11delA (NM_006567.3).
Identifiers: ClinVar variation 510884 (VCV000510884.1), dbSNP rs1554116405, ClinGen allele CA658796715.

ClinVar aggregate classification (germline): Likely benign (1 of 4 stars; one submission).

Submission:

GeneDx
Classification: Likely benign. Last evaluated: 2017-08-02. Review status: criteria provided, single submitter. Criteria: GeneDx Variant Classification (06012015). Collection method: clinical testing. Allele origin: germline. Affected: yes.
Comment: This variant is considered likely benign or benign based on one or more of the following criteria: it is a conservative change, it occurs at a poorly conserved position in the protein, it is predicted to be benign by multiple in silico algorithms, and/or has population frequency not consistent with disease.